The following is an entry in ClinVar:

NM_133259.4(LRPPRC):c.3901-160A>G

Gene: LRPPRC (leucine rich pentatricopeptide repeat containing; minus strand). Cytogenetic location: 2p21.
Variant type: single nucleotide variant.
Coding change: c.3901-160A>G on transcript NM_133259.4 (MANE Select); 160 bases into the intron before coding-DNA position 3901, A replaced by G.
Molecular consequence: intron variant.
Genome position (GRCh38, 1-based): chr2:43,894,789, T>C on the plus strand (A>G on the coding strand, the complement: LRPPRC is on the minus strand). VCF-style: chr2-43894789-T-C. GRCh37 (hg19) VCF-style: chr2-44121928-T-C.
Identifiers: ClinVar variation 684333 (VCV000684333.2), dbSNP rs17496251, ClinGen allele CA46502163.
Genomic context (GRCh38, chr2:43,894,789, plus strand): 5'-ATAACAGAACTACCTATTAAATTTAATGCACTATTGTCCCTTGTATATTAGCATTTGATA[T>C]TGACTCAATAATCTACAGCTAAAAGAAACCAGCATTTTTCCACAGGTTAATGCAATTCCA-3'

ClinVar aggregate classification (germline): Benign. Review status: criteria provided, multiple submitters, no conflicts (2 of 4 stars). 2 submissions from 2 submitters: Benign (2). Last evaluated 2018-06-14.

Allele frequency attached by ClinVar (database versions not stated): 1000 Genomes Project 0.07428; 1000 Genomes Project 30x 0.07121; TOPMed 0.08367; gnomAD 0.08933.
gnomAD v4.1: 13,422 of 152,292 alleles (8.8%); highest among the groups gnomAD compares: South Asian, 15%; 675 homozygotes.

Submissions (2):

GeneDx
Classification: Benign. Last evaluated: 2018-06-14. Review status: criteria provided, single submitter. Criteria: GeneDx Variant Classification (06012015). Collection method: clinical testing. Allele origin: germline. Affected: yes.
Comment: This variant is considered likely benign or benign based on one or more of the following criteria: it is a conservative change, it occurs at a poorly conserved position in the protein, it is predicted to be benign by multiple in silico algorithms, and/or has population frequency not consistent with disease.

Breakthrough Genomics
Classification: Benign. Review status: criteria provided, single submitter. Criteria: ACMG Guidelines, 2015. Collection method: not provided. Allele origin: germline. Inheritance: Autosomal recessive inheritance. Affected: yes.